The following is an entry in ClinVar:

NM_001256007.3(PNPLA8):c.461T>C (p.Ile154Thr)

Gene: PNPLA8 (patatin like domain 8, phospholipase A2; minus strand). Cytogenetic location: 7q31.1.
Variant type: single nucleotide variant.
Coding change: c.461T>C on transcript NM_001256007.3 (MANE Select); coding-DNA position 461, T replaced by C.
Protein change: p.Ile154Thr; replaces isoleucine 154 with threonine.
Molecular consequence: missense variant.
Genome position (GRCh38, 1-based): chr7:108,515,031, A>G on the plus strand (T>C on the coding strand, the complement: PNPLA8 is on the minus strand). VCF-style: chr7-108515031-A-G. GRCh37 (hg19) VCF-style: chr7-108155475-A-G.
Other names: c.461T>C, p.Ile154Thr (NM_001256008.3, NM_001256009.3, NM_015723.5); c.161T>C, p.Ile54Thr (NM_001256010.3, NM_001256011.3); c.461T>C (NM_015723.4, NM_015723.2); short protein forms I154T, I54T.
Identifiers: ClinVar variation 1511550 (VCV001511550.6), dbSNP rs149352248, ClinGen allele CA4439814.

ClinVar aggregate classification (germline): Uncertain significance. Review status: criteria provided, multiple submitters, no conflicts (2 of 4 stars). 3 submissions from 3 submitters: Uncertain significance (3). Last evaluated 2025-08-19.

Conditions:
PNPLA8-related disorder. Also called: PNPLA8-related condition.
Inborn genetic diseases. Identifiers: MedGen C0950123, MeSH D030342.

Allele frequency attached by ClinVar (database versions not stated): gnomAD exomes 0.00001 and 0.00002; ExAC 0.00003; gnomAD 0.00013 and 0.00014; TOPMed 0.00018; ESP Exome Variant Server 0.00031.
gnomAD v4.1: 49 of 1,607,488 alleles (0.003%); highest among the groups gnomAD compares: African/African-American, 0.056%; no homozygotes.

Submissions (3):

PreventionGenetics, part of Exact Sciences
Classification: Uncertain significance for PNPLA8-related condition. Last evaluated: 2025-08-19. Review status: criteria provided, single submitter. Criteria: ACMG Guidelines, 2015. Collection method: clinical testing. Allele origin: germline.
Comment: The PNPLA8 c.461T>C variant is predicted to result in the amino acid substitution p.Ile154Thr. To our knowledge, this variant has not been reported in the literature. This variant is reported in 0.020% of alleles in individuals of African descent in gnomAD. At this time, the clinical significance of this variant is uncertain due to the absence of conclusive functional and genetic evidence.

Ambry Genetics
Classification: Uncertain significance for Inborn genetic diseases. Last evaluated: 2022-11-17. Review status: criteria provided, single submitter. Criteria: Ambry Variant Classification Scheme 2023. Collection method: clinical testing. Allele origin: germline.

Labcorp Genetics (formerly Invitae), Labcorp
Classification: Uncertain significance. Last evaluated: 2022-07-19. Review status: criteria provided, single submitter. Criteria: Invitae Variant Classification Sherloc (09022015). Collection method: clinical testing. Allele origin: germline.
Comment: In summary, the available evidence is currently insufficient to determine the role of this variant in disease. Therefore, it has been classified as a Variant of Uncertain Significance. Algorithms developed to predict the effect of missense changes on protein structure and function output the following: SIFT: "Tolerated"; PolyPhen-2: "Benign"; Align-GVGD: "Class C0". The threonine amino acid residue is found in multiple mammalian species, which suggests that this missense change does not adversely affect protein function. ClinVar contains an entry for this variant (Variation ID: 1511550). This variant has not been reported in the literature in individuals affected with PNPLA8-related conditions. This variant is present in population databases (rs149352248, gnomAD 0.02%). This sequence change replaces isoleucine, which is neutral and non-polar, with threonine, which is neutral and polar, at codon 154 of the PNPLA8 protein (p.Ile154Thr).